The following is an entry in ClinVar:

ClinVar aggregate classification (germline): Pathogenic (1 of 4 stars; one submission).

Conditions:
Primary ciliary dyskinesia. Also called: Ciliary dyskinesia. Identifiers: Orphanet 244, MedGen C0008780, MONDO:0016575, HP:0012265.

Submission:

Labcorp Genetics (formerly Invitae), Labcorp
Classification: Pathogenic for Primary ciliary dyskinesia. Last evaluated: 2022-09-27. Review status: criteria provided, single submitter. Criteria: Invitae Variant Classification Sherloc (09022015). Collection method: clinical testing. Allele origin: germline.
Comment: For these reasons, this variant has been classified as Pathogenic. This variant has not been reported in the literature in individuals affected with DNAI2-related conditions. This variant is a gross deletion of the genomic region encompassing exon(s) 1-5 of the DNAI2 gene, which includes the initiator codon. This deletion extends beyond the assayed region for this gene and therefore may encompass additional genes. It is expected to result in an absent or disrupted protein product. Loss-of-function variants in DNAI2 are known to be pathogenic (PMID: 18950741, 23891469).

Literature cited by the submitters: PubMed 18950741; PubMed 23891469.

NC_000017.11:g.(?_74274200)_(74289746_?)del

Gene: DNAI2 (dynein axonemal intermediate chain 2; plus strand). Cytogenetic location: 17q25.1.
Variant type: Deletion.
Identifiers: ClinVar variation 832484 (VCV000832484.3).